The following is an entry in ClinVar:

ClinVar aggregate classification (germline): Uncertain significance. Review status: criteria provided, multiple submitters, no conflicts (2 of 4 stars). 2 submissions from 2 submitters: Uncertain significance (2). Last evaluated 2025-12-08.

Conditions:
Hypercoagulability syndrome due to glycosylphosphatidylinositol deficiency (GPIBD1). Also called: GLYCOSYLPHOSPHATIDYLINOSITOL BIOSYNTHESIS DEFECT 1. Identifiers: Orphanet 83639, MedGen C5201145, MONDO:0012465, OMIM 610293.

Allele frequency attached by ClinVar (database versions not stated): gnomAD 0.00001; ExAC 0.00003; TOPMed 0.00003; ESP Exome Variant Server 0.00008.

Submissions (2):

Labcorp Genetics (formerly Invitae), Labcorp
Classification: Uncertain significance for Hypercoagulability syndrome due to glycosylphosphatidylinositol deficiency. Last evaluated: 2025-12-08. Review status: criteria provided, single submitter. Criteria: Invitae Variant Classification Sherloc (09022015). Collection method: clinical testing. Allele origin: germline.
Comment: This sequence change replaces tyrosine, which is neutral and polar, with cysteine, which is neutral and slightly polar, at codon 276 of the PIGM protein (p.Tyr276Cys). This variant is present in population databases (rs368135991, gnomAD 0.004%). This variant has not been reported in the literature in individuals affected with PIGM-related conditions. ClinVar contains an entry for this variant (Variation ID: 2576843). Invitae Evidence Modeling of protein sequence and biophysical properties (such as structural, functional, and spatial information, amino acid conservation, physicochemical variation, residue mobility, and thermodynamic stability) indicates that this missense variant is expected to disrupt PIGM protein function with a positive predictive value of 80%. In summary, the available evidence is currently insufficient to determine the role of this variant in disease. Therefore, it has been classified as a Variant of Uncertain Significance.

GeneDx
Classification: Uncertain significance. Last evaluated: 2023-02-15. Review status: criteria provided, single submitter. Criteria: GeneDx Variant Classification Process June 2021. Collection method: clinical testing. Allele origin: germline. Affected: yes.
Comment: Not observed at significant frequency in large population cohorts (gnomAD); In silico analysis supports that this missense variant has a deleterious effect on protein structure/function; Has not been previously published as pathogenic or benign to our knowledge

NM_145167.3(PIGM):c.827A>G (p.Tyr276Cys)

Gene: PIGM (phosphatidylinositol glycan anchor biosynthesis class M; minus strand). Cytogenetic location: 1q23.2.
Variant type: single nucleotide variant.
Coding change: c.827A>G on transcript NM_145167.3 (MANE Select); coding-DNA position 827, A replaced by G.
Protein change: p.Tyr276Cys; replaces tyrosine 276 with cysteine.
Molecular consequence: missense variant.
Genome position (GRCh38, 1-based): chr1:160,030,913, T>C on the plus strand (A>G on the coding strand, the complement: PIGM is on the minus strand). VCF-style: chr1-160030913-T-C. GRCh37 (hg19) VCF-style: chr1-160000703-T-C.
Other names: short protein forms Y276C.
Identifiers: ClinVar variation 2576843 (VCV002576843.2), dbSNP rs368135991, ClinGen allele CA1192970.